The following is an entry in ClinVar:

NM_000268.4(NF2):c.302A>G (p.Tyr101Cys)

Gene: NF2 (NF2, moesin-ezrin-radixin like (MERLIN) tumor suppressor; plus strand). Cytogenetic location: 22q12.2.
Variant type: single nucleotide variant.
Coding change: c.302A>G on transcript NM_000268.4 (MANE Select); coding-DNA position 302, A replaced by G.
Protein change: p.Tyr101Cys; replaces tyrosine 101 with cysteine.
Molecular consequence: missense variant. On other transcripts: non-coding transcript variant (1), intron variant (3).
Genome position (GRCh38, 1-based): chr22:29,639,151, A>G. VCF-style: chr22-29639151-A-G. GRCh37 (hg19) VCF-style: chr22-30035140-A-G.
Other names: c.302A>G, p.Tyr101Cys (NM_016418.5, NM_181825.3, NM_181832.3 and 1 more transcripts); c.176A>G, p.Tyr59Cys (NM_181828.3); c.240+2275A>G (NM_181829.3); c.115-3051A>G (NM_181830.3, NM_181831.3); c.302A>G (NM_000268.3); short protein forms Y101C, Y59C.
Identifiers: ClinVar variation 1442933 (VCV001442933.10), dbSNP rs1240469044, ClinGen allele CA411153256.
Genomic context (GRCh38, chr22:29,639,151, plus strand): 5'-TACTGGATCATGATGTTTCAAAGGAAGAACCAGTCACCTTTCACTTCTTGGCCAAATTTT[A>G]TCCTGAGAATGCTGAAGAGGAGCTGGTTCAGGAGATCACACAACATTTATTCTTCTTACA-3'
Protein context (NP_000259.1, residues 91-111): PVTFHFLAKF[Tyr101Cys]PENAEEELVQ

ClinVar aggregate classification (germline): Uncertain significance. Review status: criteria provided, multiple submitters, no conflicts (2 of 4 stars). 5 submissions from 5 submitters: Uncertain significance (5). Last evaluated 2024-01-03.

Conditions:
Neurofibromatosis, type 2 (SWNV). Also called: BILATERAL ACOUSTIC NEUROFIBROMATOSIS; SCHWANNOMATOSIS, VESTIBULAR; NF2-Related Schwannomatosis. Identifiers: Orphanet 637, MedGen C0027832, MONDO:0007039, OMIM 101000. Disease mechanism: loss of function.
Hereditary cancer-predisposing syndrome. Also called: Hereditary Cancer Syndrome; Neoplastic Syndromes, Hereditary; Hereditary neoplastic syndrome; Tumor predisposition. Identifiers: Orphanet 140162, MedGen C0027672, MeSH D009386, MONDO:0015356.
Familial meningioma. Also called: Meningioma, familial, susceptibility to. Identifiers: Orphanet 263662, MedGen C3551915, MONDO:0011789, OMIM 607174.

Allele frequency attached by ClinVar (database versions not stated): gnomAD 0.00001; TOPMed 0.00002.
gnomAD v4.1: 1 of 1,614,086 alleles (0.000062%); highest among the groups gnomAD compares: African/African-American, 0.0013%; no homozygotes.

Submissions (5):

All of Us Research Program, National Institutes of Health
Classification: Uncertain significance for Neurofibromatosis, type 2. Last evaluated: 2024-01-03. Review status: criteria provided, single submitter. Criteria: ACMG Guidelines, 2015. Collection method: clinical testing. Allele origin: germline. Inheritance: Autosomal dominant inheritance. Observed: 1 variant allele, 1 heterozygote.
Comment: This missense variant replaces tyrosine with cysteine at codon 101 of the NF2 protein. Computational prediction suggests that this variant may have deleterious impact on protein structure and function (internally defined REVEL score threshold >= 0.7, PMID: 27666373). To our knowledge, functional studies have not been reported for this variant. This variant has not been reported in individuals affected with NF2-related disorders in the literature. This variant has not been identified in the general population by the Genome Aggregation Database (gnomAD). The available evidence is insufficient to determine the role of this variant in disease conclusively. Therefore, this variant is classified as a Variant of Uncertain Significance.

This study involves interpretation of variants in research participants for the purpose of population health screening. Participant phenotype was not available at the time of variant classification. Additional details can be found in publication PMID: 35346344, PMCID: PMC8962531

Labcorp Genetics (formerly Invitae), Labcorp
Classification: Uncertain significance for Neurofibromatosis, type 2. Last evaluated: 2023-10-16. Review status: criteria provided, single submitter. Criteria: Invitae Variant Classification Sherloc (09022015). Collection method: clinical testing. Allele origin: germline.
Comment: This sequence change replaces tyrosine, which is neutral and polar, with cysteine, which is neutral and slightly polar, at codon 101 of the NF2 protein (p.Tyr101Cys). This variant is not present in population databases (gnomAD no frequency). This variant has not been reported in the literature in individuals affected with NF2-related conditions. ClinVar contains an entry for this variant (Variation ID: 1442933). Advanced modeling of protein sequence and biophysical properties (such as structural, functional, and spatial information, amino acid conservation, physicochemical variation, residue mobility, and thermodynamic stability) performed at Invitae indicates that this missense variant is expected to disrupt NF2 protein function. In summary, the available evidence is currently insufficient to determine the role of this variant in disease. Therefore, it has been classified as a Variant of Uncertain Significance.

Baylor Genetics
Classification: Uncertain significance for Familial meningioma. Last evaluated: 2023-10-11. Review status: criteria provided, single submitter. Criteria: ACMG Guidelines, 2015. Collection method: clinical testing. Allele origin: unknown.

Color Diagnostics, LLC DBA Color Health
Classification: Uncertain significance for Neurofibromatosis, type 2. Last evaluated: 2023-08-31. Review status: criteria provided, single submitter. Criteria: ACMG Guidelines, 2015. Collection method: clinical testing. Allele origin: germline.
Comment: This missense variant replaces tyrosine with cysteine at codon 101 of the NF2 protein. Computational prediction suggests that this variant may have deleterious impact on protein structure and function. To our knowledge, functional studies have not been reported for this variant. This variant has not been reported in individuals affected with NF2-related disorders in the literature. This variant has not been identified in the general population by the Genome Aggregation Database (gnomAD). The available evidence is insufficient to determine the role of this variant in disease conclusively. Therefore, this variant is classified as a Variant of Uncertain Significance.

Ambry Genetics
Classification: Uncertain significance for Hereditary cancer-predisposing syndrome. Last evaluated: 2023-07-26. Review status: criteria provided, single submitter. Criteria: Ambry Variant Classification Scheme 2023. Collection method: clinical testing. Allele origin: germline.
Comment: The p.Y101C variant (also known as c.302A>G), located in coding exon 3 of the NF2 gene, results from an A to G substitution at nucleotide position 302. The tyrosine at codon 101 is replaced by cysteine, an amino acid with highly dissimilar properties. This amino acid position is conserved. In addition, this alteration is predicted to be deleterious by in silico analysis. Since supporting evidence is limited at this time, the clinical significance of this alteration remains unclear.